The following is an entry in ClinVar:

NM_012434.5(SLC17A5):c.409del (p.Met137fs)

Gene: SLC17A5 (solute carrier family 17 member 5; minus strand). Cytogenetic location: 6q13.
Variant type: Deletion.
Coding change: c.409del on transcript NM_012434.5 (MANE Select); coding-DNA position 409, one base deleted (A; older notation c.409delA).
Protein change: p.Met137fs; shifts the reading frame from methionine 137.
Molecular consequence: frameshift variant.
Genome position (GRCh38, 1-based): chr6:73,641,807, T deleted on the plus strand (A on the coding strand, the reverse complement: SLC17A5 is on the minus strand); the first of 4 consecutive T bases (chr6:73,641,807-73,641,810); deleting any one gives the same sequence. VCF-style (leftmost placement, unchanged base first): chr6-73641806-AT-A. GRCh37 (hg19) VCF-style: chr6-74351529-AT-A.
Other names: c.409del (NM_012434.4); short protein forms M137fs.
Identifiers: ClinVar variation 203395 (VCV000203395.14), dbSNP rs794729653, ClinGen allele CA275529.
Genomic context (GRCh38, chr6:73,641,806, plus strand): 5'-GCAGCAATGGGAGTGAACAGGGTGAGGACAGCAGTGCCAAGGATCCCAAATCCTAGCAGC[AT>A]TTTCCCCCCTATTTTGCTGGCAACATATCCTCCAGGAATCTGTGTGATGATGTAGCCATA-3'

ClinVar aggregate classification (germline): Pathogenic/Likely pathogenic. Review status: criteria provided, multiple submitters, no conflicts (2 of 4 stars). 7 submissions from 6 submitters: Pathogenic (1); Likely pathogenic (3). 3 of the submissions do not count toward it. Last evaluated 2024-12-15.

Conditions:
Salla disease (SD). Also called: Sialuria, Finnish type; N-acetylneuraminic acid (NANA) storage disease (NSD); Infantile sialic acid storage disorder (ISSD); Less Severe FSASD (Salla Disease). Identifiers: Orphanet 309334, Orphanet 834, MedGen C1096903, MONDO:0011449, OMIM 604369.
Sialic acid storage disease, severe infantile type (ISSD). Also called: N-ACETYLNEURAMINIC ACID STORAGE DISEASE; NANA STORAGE DISEASE; SIALURIA, INFANTILE FORM; Infantile Sialic Acid Storage Disease; INFANTILE SIALIC ACID STORAGE DISORDER; Free sialic acid storage disease, infantile form. Identifiers: Orphanet 309324, Orphanet 834, MedGen C1096902, MONDO:0010027, OMIM 269920.

Submissions (7):

Natera, Inc.
Classification: Likely pathogenic for Salla disease. Last evaluated: 2024-12-15. Review status: criteria provided, single submitter. Criteria: Natera Variant Classification Schema (03/2026). Collection method: clinical testing. Allele origin: germline.
Comment: The c.409delA variant in SLC17A5 is a frameshift variant predicted to shift the reading frame beginning at codon 137 and leads to a stop codon 3 codons downstream. This variant is expected to result in nonsense mediated decay, truncation, or a dysfunctional protein product. This variant is rare in the general population with a frequency below the threshold expected for the associated phenotype(s). Given the available evidence, this variant is classified as Likely Pathogenic.

Labcorp Genetics (formerly Invitae), Labcorp
Classification: Pathogenic for Salla disease. Last evaluated: 2024-10-24. Review status: criteria provided, single submitter. Criteria: Invitae Variant Classification Sherloc (09022015). Collection method: clinical testing. Allele origin: germline.
Comment: This sequence change creates a premature translational stop signal (p.Met137Cysfs*3) in the SLC17A5 gene. It is expected to result in an absent or disrupted protein product. Loss-of-function variants in SLC17A5 are known to be pathogenic (PMID: 10581036, 10947946, 15172001). This variant is not present in population databases (gnomAD no frequency). This variant has not been reported in the literature in individuals affected with SLC17A5-related conditions. ClinVar contains an entry for this variant (Variation ID: 203395). For these reasons, this variant has been classified as Pathogenic.

Baylor Genetics
Classification: Likely pathogenic for Salla disease. Last evaluated: 2023-10-20. Review status: criteria provided, single submitter. Criteria: ACMG Guidelines, 2015. Collection method: clinical testing. Allele origin: unknown.

Genome-Nilou Lab
Classification: Likely pathogenic for Salla disease. Last evaluated: 2021-09-05. Review status: criteria provided, single submitter. Criteria: ACMG Guidelines, 2015. Collection method: clinical testing. Allele origin: germline. Affected: no.

Counsyl
Classification: Likely pathogenic for Salla disease. Last evaluated: 2016-03-30. Review status: no assertion criteria provided. Collection method: clinical testing. Allele origin: unknown. Not counted in ClinVar's aggregate classification.

Division of Human Genetics, Children's Hospital of Philadelphia
Classification: Likely pathogenic for Salla disease. Last evaluated: 2014-07-17. Review status: no assertion criteria provided. Collection method: research. Allele origin: germline. Affected: no. Study: CSER-PediSeq. Not counted in ClinVar's aggregate classification.

Division of Human Genetics, Children's Hospital of Philadelphia
Classification: Likely pathogenic for Sialic acid storage disorder, infantile. Last evaluated: 2014-07-17. Review status: no assertion criteria provided. Collection method: research. Allele origin: germline. Affected: no. Study: CSER-PediSeq. Not counted in ClinVar's aggregate classification.

Literature cited by the submitters: PubMed 10581036 (cited by Labcorp Genetics (formerly Invitae), Labcorp and Division of Human Genetics, Children's Hospital of Philadelphia); PubMed 10947946 (cited by Labcorp Genetics (formerly Invitae), Labcorp); PubMed 15172001 (cited by Labcorp Genetics (formerly Invitae), Labcorp); PubMed 15805149 (cited by Division of Human Genetics, Children's Hospital of Philadelphia).